The following is an entry in ClinVar:

NM_000127.3(EXT1):c.444dup (p.Ser149fs)

Gene: EXT1 (exostosin glycosyltransferase 1; minus strand). Cytogenetic location: 8q24.11.
Variant type: Duplication.
Coding change: c.444dup on transcript NM_000127.3 (MANE Select); coding-DNA position 444, one base duplicated (C; older notation c.444dupC).
Protein change: p.Ser149fs; shifts the reading frame from serine 149.
Molecular consequence: frameshift variant.
Genome position (GRCh38, 1-based): chr8:118,110,603, G duplicated on the plus strand (C on the coding strand, the reverse complement: EXT1 is on the minus strand); the first of 4 consecutive G bases (chr8:118,110,603-118,110,606); duplicating any one gives the same sequence. VCF-style (leftmost placement, unchanged base first): chr8-118110602-T-TG. GRCh37 (hg19) VCF-style: chr8-119122841-T-TG.
Other names: short protein forms S149fs.
Identifiers: ClinVar variation 2702088 (VCV002702088.3), dbSNP rs1182900059, ClinGen allele CA2697550121.

ClinVar aggregate classification (germline): Pathogenic (1 of 4 stars; one submission).

Conditions:
Multiple congenital exostosis (EXT). Also called: Hereditary multiple osteochondromas; MULTIPLE CARTILAGINOUS EXOSTOSES; Hereditary multiple exostoses; Hereditary multiple exostosis; Multiple osteochondromas; Multiple exostoses. Identifiers: Orphanet 321, MedGen C0015306, MONDO:0005508, HP:0002762.

Submission:

Labcorp Genetics (formerly Invitae), Labcorp
Classification: Pathogenic for Multiple congenital exostosis. Last evaluated: 2023-12-10. Review status: criteria provided, single submitter. Criteria: Invitae Variant Classification Sherloc (09022015). Collection method: clinical testing. Allele origin: germline.
Comment: This sequence change creates a premature translational stop signal (p.Ser149Glnfs*40) in the EXT1 gene. It is expected to result in an absent or disrupted protein product. Loss-of-function variants in EXT1 are known to be pathogenic (PMID: 10679937, 11391482, 19810120). This variant is not present in population databases (gnomAD no frequency). This variant has not been reported in the literature in individuals affected with EXT1-related conditions. For these reasons, this variant has been classified as Pathogenic.

Literature cited by the submitters: PubMed 10679937; PubMed 11391482; PubMed 19810120.